The following is an entry in ClinVar:

ClinVar aggregate classification (germline): Likely pathogenic (1 of 4 stars; one submission).

Conditions:
Fanconi anemia (FA). Also called: Fanconi's anemia. Identifiers: Orphanet 84, MedGen C0015625, MeSH D005199, MONDO:0019391.

Submission:

Labcorp Genetics (formerly Invitae), Labcorp
Classification: Likely pathogenic for Fanconi anemia. Last evaluated: 2021-07-26. Review status: criteria provided, single submitter. Criteria: Invitae Variant Classification Sherloc (09022015). Collection method: clinical testing. Allele origin: germline.
Comment: This sequence change affects an acceptor splice site in intron 18 of the FANCM gene. It is expected to disrupt RNA splicing. Variants that disrupt the donor or acceptor splice site typically lead to a loss of protein function (PMID: 16199547), and loss-of-function variants in FANCM are known to be pathogenic (PMID: 29895858, 30075111). In summary, the currently available evidence indicates that the variant is pathogenic, but additional data are needed to prove that conclusively. Therefore, this variant has been classified as Likely Pathogenic. Algorithms developed to predict the effect of sequence changes on RNA splicing suggest that this variant may disrupt the consensus splice site. This variant has not been reported in the literature in individuals affected with FANCM-related conditions. This variant is not present in population databases (ExAC no frequency).

Literature cited by the submitters: PubMed 16199547; PubMed 29895858; PubMed 30075111.

NM_020937.4(FANCM):c.4673-2A>C

Gene: FANCM (FA complementation group M; plus strand). Cytogenetic location: 14q21.2.
Variant type: single nucleotide variant.
Coding change: c.4673-2A>C on transcript NM_020937.4 (MANE Select); the canonical splice acceptor site of the intron before coding-DNA position 4673, A replaced by C.
Molecular consequence: splice acceptor variant.
Genome position (GRCh38, 1-based): chr14:45,187,779, A>C. VCF-style: chr14-45187779-A-C. GRCh37 (hg19) VCF-style: chr14-45656982-A-C.
Other names: c.4595-2A>C (NM_001308133.2).
Identifiers: ClinVar variation 1510646 (VCV001510646.6), dbSNP rs2139291763, ClinGen allele CA389609695.